The following is an entry in ClinVar:

ClinVar aggregate classification (germline): Uncertain significance (1 of 4 stars; one submission).

Submission:

GeneDx
Classification: Uncertain significance. Last evaluated: 2026-04-11. Review status: criteria provided, single submitter. Criteria: GeneDx Variant Classification Process June 2021. Collection method: clinical testing. Allele origin: germline.
Comment: Not observed at significant frequency in large population cohorts (gnomAD); In silico analysis supports that this missense variant has a deleterious effect on protein structure/function; Has not been previously published as pathogenic or benign to our knowledge

NM_006734.4(HIVEP2):c.2644C>T (p.Arg882Trp)

Gene: HIVEP2 (HIVEP zinc finger 2; minus strand). Cytogenetic location: 6q24.2.
Variant type: single nucleotide variant.
Coding change: c.2644C>T on transcript NM_006734.4 (MANE Select); coding-DNA position 2644, C replaced by T.
Protein change: p.Arg882Trp; replaces arginine 882 with tryptophan.
Molecular consequence: missense variant.
Genome position (GRCh38, 1-based): chr6:142,772,095, G>A on the plus strand (C>T on the coding strand, the complement: HIVEP2 is on the minus strand). VCF-style: chr6-142772095-G-A. GRCh37 (hg19) VCF-style: chr6-143093232-G-A.
Other names: c.2644C>T, p.Arg882Trp (NM_001438449.1, NM_001438450.1, NM_001438451.1); short protein forms R882W.
Identifiers: ClinVar variation 5037009 (VCV005037009.1).
Genomic context (GRCh38, chr6:142,772,095, plus strand): 5'-TCTCAGGTTTATCAGGCTCCTCGGTCACTCGAATCTCAGGAACCTGGATGTTGTGTTGCC[G>A]AACTAGCCTGGGCTGTGTGTGATAGGACTGCTGCTGCACCTGCTGAGATGGAGAGGGTTT-3'
Protein context (NP_006725.3, residues 872-892): QSYHTQPRLV[Arg882Trp]QHNIQVPEIR